The following is an entry in ClinVar:

ClinVar aggregate classification (germline): Likely benign (1 of 4 stars; one submission).

gnomAD v4.1: 1 of 1,549,338 alleles (0.000065%); highest among the groups gnomAD compares: East Asian, 0.0026%; no homozygotes.

Submission:

CeGaT Center for Human Genetics Tuebingen
Classification: Likely benign. Last evaluated: 2026-10-01. Review status: criteria provided, single submitter. Criteria: CeGaT Center For Human Genetics Tuebingen Variant Classification Criteria Version 2. Collection method: clinical testing. Allele origin: germline. Affected: yes. Observed: 1 variant allele.
Comment: TBX1: BP4, BP7

NM_001379200.1(TBX1):c.1284G>T (p.Pro428=)

Gene: TBX1 (T-box transcription factor 1; plus strand). Cytogenetic location: 22q11.21.
Variant type: single nucleotide variant.
Coding change: c.1284G>T on transcript NM_001379200.1 (MANE Select); coding-DNA position 1284, G replaced by T.
Protein change: p.Pro428=; no amino-acid change (proline 428 retained).
Molecular consequence: synonymous variant. On other transcripts: intron variant (2).
Genome position (GRCh38, 1-based): chr22:19,766,636, G>T. VCF-style: chr22-19766636-G-T. GRCh37 (hg19) VCF-style: chr22-19754159-G-T.
Other names: c.1257G>T, p.Pro419= (NM_080647.1); c.1009+634G>T (NM_005992.1, NM_080646.2).
Identifiers: ClinVar variation 5041436 (VCV005041436.1).